The following is an entry in ClinVar:

ClinVar aggregate classification (germline): Uncertain significance. Review status: criteria provided, multiple submitters, no conflicts (2 of 4 stars). 2 submissions from 2 submitters: Uncertain significance (2). Last evaluated 2025-04-22.

Conditions:
Familial hypocalciuric hypercalcemia (FHH). Also called: Familial benign hypercalcemia. Identifiers: Orphanet 405, MedGen C1809471, MONDO:0018458.
Autosomal dominant hypocalcemia 1 (HYPOC1). Also called: HYPOCALCEMIA, FAMILIAL. Identifiers: MedGen C3715128, MONDO:0011013, OMIM 601198.
Nephrolithiasis/nephrocalcinosis. Identifiers: MedGen CN580796.

Allele frequency attached by ClinVar (database versions not stated): gnomAD exomes below 0.00001; TOPMed below 0.00001; gnomAD 0.00001.
gnomAD v4.1: 3 of 1,614,058 alleles (0.00019%); highest among the groups gnomAD compares: Non-Finnish European, 0.00025%; no homozygotes.

Submissions (2):

Labcorp Genetics (formerly Invitae), Labcorp
Classification: Uncertain significance for Familial hypocalciuric hypercalcemia; Autosomal dominant hypocalcemia 1. Last evaluated: 2025-04-22. Review status: criteria provided, single submitter. Criteria: Invitae Variant Classification Sherloc (09022015). Collection method: clinical testing. Allele origin: germline.
Comment: This sequence change replaces histidine, which is basic and polar, with tyrosine, which is neutral and polar, at codon 359 of the CASR protein (p.His359Tyr). This variant is not present in population databases (gnomAD no frequency). This variant has not been reported in the literature in individuals affected with CASR-related conditions. ClinVar contains an entry for this variant (Variation ID: 567876). An algorithm developed to predict the effect of missense changes on protein structure and function (PolyPhen-2) suggests that this variant is likely to be tolerated. In summary, the available evidence is currently insufficient to determine the role of this variant in disease. Therefore, it has been classified as a Variant of Uncertain Significance.

Ambry Genetics
Classification: Uncertain significance for Nephrolithiasis/nephrocalcinosis. Last evaluated: 2023-07-17. Review status: criteria provided, single submitter. Criteria: Ambry Variant Classification Scheme 2023. Collection method: clinical testing. Allele origin: germline.
Comment: The p.H359Y variant (also known as c.1075C>T), located in coding exon 3 of the CASR gene, results from a C to T substitution at nucleotide position 1075. The histidine at codon 359 is replaced by tyrosine, an amino acid with similar properties. This amino acid position is conserved. In addition, this alteration is predicted to be tolerated by in silico analysis. Since supporting evidence is limited at this time, the clinical significance of this alteration remains unclear.

NM_000388.4(CASR):c.1075C>T (p.His359Tyr)

Gene: CASR (calcium sensing receptor; plus strand). Cytogenetic location: 3q21.1.
Variant type: single nucleotide variant.
Coding change: c.1075C>T on transcript NM_000388.4 (MANE Select); coding-DNA position 1075, C replaced by T.
Protein change: p.His359Tyr; replaces histidine 359 with tyrosine.
Molecular consequence: missense variant.
Genome position (GRCh38, 1-based): chr3:122,262,110, C>T. VCF-style: chr3-122262110-C-T. GRCh37 (hg19) VCF-style: chr3-121980957-C-T.
Other names: c.1075C>T, p.His359Tyr (NM_001178065.2); short protein forms H359Y.
Identifiers: ClinVar variation 567876 (VCV000567876.11), dbSNP rs1559959592, ClinGen allele CA354152535.